The following is an entry in ClinVar:

NM_024642.5(GALNT12):c.172C>G (p.Pro58Ala)

Gene: GALNT12 (polypeptide N-acetylgalactosaminyltransferase 12; plus strand). Cytogenetic location: 9q22.33.
Variant type: single nucleotide variant.
Coding change: c.172C>G on transcript NM_024642.5 (MANE Select); coding-DNA position 172, C replaced by G.
Protein change: p.Pro58Ala; replaces proline 58 with alanine.
Molecular consequence: missense variant.
Genome position (GRCh38, 1-based): chr9:98,807,870, C>G. VCF-style: chr9-98807870-C-G. GRCh37 (hg19) VCF-style: chr9-101570152-C-G.
Other names: short protein forms P58A.
Identifiers: ClinVar variation 1778945 (VCV001778945.4), dbSNP rs1485942200, ClinGen allele CA374222452.

ClinVar aggregate classification (germline): Uncertain significance (1 of 4 stars; one submission).

Allele frequency attached by ClinVar (database versions not stated): TOPMed 0.00001; gnomAD 0.00001.

Submission:

Ambry Genetics
Classification: Uncertain significance. Last evaluated: 2025-03-28. Review status: criteria provided, single submitter. Criteria: Ambry Variant Classification Scheme 2023. Collection method: clinical testing. Allele origin: germline.
Comment: The p.P58A variant (also known as c.172C>G), located in coding exon 1 of the GALNT12 gene, results from a C to G substitution at nucleotide position 172. The proline at codon 58 is replaced by alanine, an amino acid with highly similar properties. This amino acid position is not well conserved in available vertebrate species. In addition, this alteration is predicted to be tolerated by in silico analysis. Since supporting evidence is limited at this time, the clinical significance of this alteration remains unclear.